The following is an entry in ClinVar:

ClinVar aggregate classification (germline): Pathogenic. Review status: criteria provided, multiple submitters, no conflicts (2 of 4 stars). 5 submissions from 5 submitters: Pathogenic (4). 1 of the submissions does not count toward it. Last evaluated 2026-01-26.

Conditions:
Muscular dystrophy-dystroglycanopathy (congenital with brain and eye anomalies), type a, 10 (MDDGA10). Also called: WALKER-WARBURG SYNDROME OR MUSCLE-EYE-BRAIN DISEASE, TMEM5-RELATED. Identifiers: Orphanet 899, MedGen C3554381, MONDO:0014022, OMIM 615041.

Submissions (5):

GeneDx
Classification: Pathogenic. Last evaluated: 2026-01-26. Review status: criteria provided, single submitter. Criteria: GeneDx Variant Classification Process June 2021. Collection method: clinical testing. Allele origin: germline.
Comment: Frameshift variant predicted to result in protein truncation or nonsense mediated decay in a gene for which loss of function is a known mechanism of disease; Not observed at significant frequency in large population cohorts (gnomAD); This variant is associated with the following publications: (PMID: 26155067, 23519211, 27212206, 34490615)

Labcorp Genetics (formerly Invitae), Labcorp
Classification: Pathogenic. Last evaluated: 2025-11-18. Review status: criteria provided, single submitter. Criteria: Invitae Variant Classification Sherloc (09022015). Collection method: clinical testing. Allele origin: germline.
Comment: This sequence change creates a premature translational stop signal (p.Ala47Argfs*42) in the RXYLT1 gene. It is expected to result in an absent or disrupted protein product. Loss-of-function variants in RXYLT1 are known to be pathogenic (PMID: 23217329, 23519211, 31742715). The frequency data for this variant in the population databases is considered unreliable, as metrics indicate poor data quality at this position in the gnomAD database. This premature translational stop signal has been observed in individual(s) with clinical features of muscular dystrophy-dystroglycanopathy (PMID: 23519211, 34490615). ClinVar contains an entry for this variant (Variation ID: 50607). For these reasons, this variant has been classified as Pathogenic.

3billion
Classification: Pathogenic for Muscular dystrophy-dystroglycanopathy (congenital with brain and eye anomalies), type a, 10. Last evaluated: 2024-07-17. Review status: criteria provided, single submitter. Criteria: ACMG Guidelines, 2015. Collection method: clinical testing. Allele origin: germline. Affected: yes.
Comment: The variant is observed at an extremely low frequency in the gnomAD v4.0.0 dataset (total allele frequency: 0.001%). Predicted Consequence/Location: Frameshift: predicted to result in a loss or disruption of normal protein function through nonsense-mediated decay (NMD) or protein truncation. Multiple pathogenic variants are reported downstream of the variant. The variant has been reported at least twice as pathogenic with clinical assertions and evidence for the classification (ClinVar ID: VCV000050607 /PMID: 23519211). Therefore, this variant is classified as Pathogenic according to the recommendation of ACMG/AMP guideline.

CeGaT Center for Human Genetics Tuebingen
Classification: Pathogenic. Last evaluated: 2020-04-01. Review status: criteria provided, single submitter. Criteria: CeGaT Center For Human Genetics Tuebingen Variant Classification Criteria Version 2. Collection method: clinical testing. Allele origin: germline. Affected: yes. Observed: 1 variant allele.

OMIM
Classification: Pathogenic for MUSCULAR DYSTROPHY-DYSTROGLYCANOPATHY (CONGENITAL WITH BRAIN AND EYE ANOMALIES), TYPE A, 10. Last evaluated: 2013-04-26. Review status: no assertion criteria provided. Collection method: literature only. Allele origin: germline. Not counted in ClinVar's aggregate classification.

Literature cited by the submitters: PubMed 23217329 (cited by Labcorp Genetics (formerly Invitae), Labcorp); PubMed 23519211 (cited by 3 submitters); PubMed 31742715 (cited by Labcorp Genetics (formerly Invitae), Labcorp); PubMed 34490615 (cited by Labcorp Genetics (formerly Invitae), Labcorp).

NM_014254.3(RXYLT1):c.139del (p.Ala47fs)

Gene: RXYLT1 (ribitol xylosyltransferase 1; plus strand). Cytogenetic location: 12q14.2.
Variant type: Deletion.
Coding change: c.139del on transcript NM_014254.3 (MANE Select); coding-DNA position 139, one base deleted (G; older notation c.139delG).
Protein change: p.Ala47fs; shifts the reading frame from alanine 47.
Molecular consequence: frameshift variant.
Genome position (GRCh38, 1-based): chr12:63,780,099, G deleted; the last of 5 consecutive G bases (chr12:63,780,095-63,780,099); deleting any one gives the same sequence. VCF-style (leftmost placement, unchanged base first): chr12-63780094-AG-A. GRCh37 (hg19) VCF-style: chr12-64173874-AG-A.
Other names: short protein forms A47fs.
Identifiers: ClinVar variation 50607 (VCV000050607.45), dbSNP rs397514696, ClinGen allele CA143777.